The following is an entry in ClinVar:

ClinVar aggregate classification (germline): Pathogenic (1 of 4 stars; one submission).

Conditions:
Primary ciliary dyskinesia 3. Identifiers: Orphanet 244, MedGen C1837618, MONDO:0012085, OMIM 608644.

Submission:

Myriad Genetics, Inc.
Classification: Pathogenic for Primary ciliary dyskinesia 3. Last evaluated: 2024-05-14. Review status: criteria provided, single submitter. Criteria: Myriad Autosomal Dominant, Autosomal Recessive and X-Linked Classification Criteria (2023). Collection method: clinical testing. Allele origin: unknown.
Comment: NM_001369.2(DNAH5):c.7535_7536ins19(T2513Dfs*48) is expected to be pathogenic in the context of primary ciliary dyskinesia, DNAH5-related. This variant is predicted to lead to an abnormal or absent protein product due to the creation of a premature termination codon in DNAH5, a gene where loss-of-function variants are known to be pathogenic. Please note: this variant was assessed in the context of healthy population screening.

NM_001369.3(DNAH5):c.7535_7536insAGATGTGTATAAGAGACAG (p.Thr2513fs)

Gene: DNAH5 (dynein axonemal heavy chain 5; minus strand). Cytogenetic location: 5p15.2.
Variant type: Insertion.
Coding change: c.7535_7536insAGATGTGTATAAGAGACAG on transcript NM_001369.3 (MANE Select); coding-DNA positions 7535 to 7536, AGATGTGTATAAGAGACAG inserted.
Protein change: p.Thr2513fs; shifts the reading frame from threonine 2513.
Molecular consequence: frameshift variant.
Genome position: GRCh38 VCF-style: chr5-13810132-G-GCTGTCTCTTATACACATCT. GRCh37 (hg19) VCF-style: chr5-13810241-G-GCTGTCTCTTATACACATCT.
Other names: short protein forms T2513fs.
Identifiers: ClinVar variation 5011186 (VCV005011186.1).